The following is an entry in ClinVar:

ClinVar aggregate classification (germline): Pathogenic (1 of 4 stars; one submission).

Submission:

Labcorp Genetics (formerly Invitae), Labcorp
Classification: Pathogenic. Last evaluated: 2021-12-03. Review status: criteria provided, single submitter. Criteria: Invitae Variant Classification Sherloc (09022015). Collection method: clinical testing. Allele origin: germline.
Comment: For these reasons, this variant has been classified as Pathogenic. This variant has not been reported in the literature in individuals affected with COL7A1-related conditions. This variant is not present in population databases (gnomAD no frequency). This sequence change creates a premature translational stop signal (p.Gly879Alafs*21) in the COL7A1 gene. It is expected to result in an absent or disrupted protein product. Loss-of-function variants in COL7A1 are known to be pathogenic (PMID: 16971478).

Literature cited by the submitters: PubMed 16971478.

NM_000094.4(COL7A1):c.2636_2646del (p.Gly879fs)

Gene: COL7A1 (collagen type VII alpha 1 chain; minus strand). Cytogenetic location: 3p21.31.
Variant type: Deletion.
Coding change: c.2636_2646del on transcript NM_000094.4 (MANE Select); coding-DNA positions 2636 to 2646, 11 bases deleted (GGGAGCACTCG).
Protein change: p.Gly879fs; shifts the reading frame from glycine 879.
Molecular consequence: frameshift variant.
Genome position (GRCh38, 1-based): chr3:48,588,346-48,588,356, CGAGTGCTCCC deleted on the plus strand (GGGAGCACTCG on the coding strand, the reverse complement: COL7A1 is on the minus strand); deleting any 11 consecutive bases within chr3:48,588,346-48,588,358 gives the same sequence; the c. name uses the placement nearest the transcript's 3' end. VCF-style (leftmost placement, unchanged base first): chr3-48588345-GCGAGTGCTCCC-G. GRCh37 (hg19) VCF-style: chr3-48625778-GCGAGTGCTCCC-G.
Other names: short protein forms G879fs.
Identifiers: ClinVar variation 1459645 (VCV001459645.6), dbSNP rs2107763964, ClinGen allele CA2573137324.